The following is an entry in ClinVar:

ClinVar aggregate classification (germline): Uncertain significance (1 of 4 stars; one submission).

Conditions:
Long QT syndrome 1 (LQT1). Identifiers: Orphanet 101016, Orphanet 768, MedGen C4551647, MONDO:0100316, OMIM 192500, MONDO:0008646.

Submission:

Labcorp Genetics (formerly Invitae), Labcorp
Classification: Uncertain significance for Long QT syndrome 1. Last evaluated: 2024-11-13. Review status: criteria provided, single submitter. Criteria: Invitae Variant Classification Sherloc (09022015). Collection method: clinical testing. Allele origin: germline.
Comment: This sequence change replaces aspartic acid, which is acidic and polar, with glutamic acid, which is acidic and polar, at codon 3 of the CALM2 protein (p.Asp3Glu). This variant is not present in population databases (gnomAD no frequency). This variant has not been reported in the literature in individuals affected with CALM2-related conditions. An algorithm developed to predict the effect of missense changes on protein structure and function (PolyPhen-2) suggests that this variant is likely to be tolerated. In summary, the available evidence is currently insufficient to determine the role of this variant in disease. Therefore, it has been classified as a Variant of Uncertain Significance.

NM_001743.6(CALM2):c.9C>G (p.Asp3Glu)

Gene: CALM2 (calmodulin 2; minus strand). Cytogenetic location: 2p21.
Variant type: single nucleotide variant.
Coding change: c.9C>G on transcript NM_001743.6 (MANE Select); coding-DNA position 9, C replaced by G.
Protein change: p.Asp3Glu; replaces aspartic acid 3 with glutamic acid.
Molecular consequence: missense variant. On other transcripts: 5 prime UTR variant (2).
Genome position (GRCh38, 1-based): chr2:47,170,759, G>C on the plus strand (C>G on the coding strand, the complement: CALM2 is on the minus strand). VCF-style: chr2-47170759-G-C. GRCh37 (hg19) VCF-style: chr2-47397898-G-C.
Other names: c.153C>G, p.Asp51Glu (NM_001305624.1); c.-100C>G (NM_001305625.2, NM_001305626.1); short protein forms D3E, D51E.
Identifiers: ClinVar variation 3725061 (VCV003725061.2).